The following is an entry in ClinVar:

NM_000528.4(MAN2B1):c.1527+1G>C

Gene: MAN2B1 (mannosidase alpha class 2B member 1; minus strand). Cytogenetic location: 19p13.13.
Variant type: single nucleotide variant.
Coding change: c.1527+1G>C on transcript NM_000528.4 (MANE Select); the canonical splice donor site of the intron after coding-DNA position 1527, G replaced by C.
Molecular consequence: splice donor variant.
Genome position (GRCh38, 1-based): chr19:12,656,948, C>G on the plus strand (G>C on the coding strand, the complement: MAN2B1 is on the minus strand). VCF-style: chr19-12656948-C-G. GRCh37 (hg19) VCF-style: chr19-12767762-C-G.
Other names: c.1524+1G>C (NM_001173498.2).
Identifiers: ClinVar variation 558686 (VCV000558686.5), dbSNP rs1322313985, ClinGen allele CA404246054.

ClinVar aggregate classification (germline): Likely pathogenic. Review status: criteria provided, multiple submitters, no conflicts (2 of 4 stars). 3 submissions from 3 submitters: Likely pathogenic (2). 1 of the submissions does not count toward it. Last evaluated 2025-05-05.

Conditions:
Deficiency of alpha-mannosidase (MANSA). Also called: Alpha-Mannosidosis; LYSOSOMAL ALPHA-D-MANNOSIDASE DEFICIENCY; Mannosidosis, alpha-, types I and II. Identifiers: Orphanet 61, MedGen C0024748, MONDO:0009561, OMIM 248500.

Submissions (3):

Natera, Inc.
Classification: Likely pathogenic for Alpha-mannosidosis. Last evaluated: 2025-05-05. Review status: criteria provided, single submitter. Criteria: Natera Variant Classification Schema (03/2026). Collection method: clinical testing. Allele origin: germline.
Comment: The c.1527+1G>C variant in MAN2B1 is a canonical splice donor site variant predicted to affect pre-mRNA splicing, which may result in an abnormal transcript and altered protein product. This variant may result in a truncated or dysfunctional protein product. This variant is rare in the general population with a frequency below the threshold expected for the associated phenotype(s). This variant has been observed in one or more individuals affected with the associated recessive disease, as either homozygous or compound heterozygous with a second variant (PMID: 22161967). Another variant at this same site results in an alteration predicted to cause a similar molecular effect has been observed in individual(s) with the associated phenotype. Given the available evidence, this variant is classified as Likely Pathogenic.

Clinical Genetics Service, Universitary Hospital 12 de Octubre
Classification: Likely pathogenic for Deficiency of alpha-mannosidase. Review status: criteria provided, single submitter. Criteria: ACMG Guidelines, 2015. Collection method: clinical testing. Allele origin: paternal. Affected: yes.

Counsyl
Classification: Likely pathogenic for Deficiency of alpha-mannosidase. Last evaluated: 2018-06-06. Review status: no assertion criteria provided. Collection method: clinical testing. Allele origin: unknown. Not counted in ClinVar's aggregate classification.

Literature cited by the submitters: PubMed 22161967 (cited by Natera, Inc. and Counsyl).